The following is an entry in ClinVar:

ClinVar aggregate classification (germline): Conflicting classifications of pathogenicity. Review status: criteria provided, conflicting classifications (1 of 4 stars). 2 submissions from 2 submitters: Uncertain significance (1); Likely benign (1). Last evaluated 2021-03-26.

Conditions:
Cardiovascular phenotype. Identifiers: MedGen CN230736.
Cardiomyopathy (CMYO). Also called: Cardiomyopathies. Identifiers: Orphanet 167848, MedGen C0878544, MONDO:0004994, HP:0001638. Inheritance: Various modes of inheritance.

Allele frequency attached by ClinVar (database versions not stated): gnomAD 0.00001; gnomAD exomes 0.00001.
gnomAD v4.1: 8 of 1,613,376 alleles (0.0005%); highest among the groups gnomAD compares: African/African-American, 0.004%; no homozygotes.

Submissions (2):

CHEO Genetics Diagnostic Laboratory, Children's Hospital of Eastern Ontario
Classification: Likely benign for Cardiomyopathy. Last evaluated: 2021-03-26. Review status: criteria provided, single submitter. Criteria: ACMG Guidelines, 2015. Collection method: clinical testing. Allele origin: germline.

Ambry Genetics
Classification: Uncertain significance for Cardiovascular phenotype. Last evaluated: 2020-01-31. Review status: criteria provided, single submitter. Criteria: Ambry Variant Classification Scheme 2023. Collection method: clinical testing. Allele origin: germline.
Comment: The p.R10780C variant (also known as c.32338C>T), located in coding exon 128 of the TTN gene, results from a C to T substitution at nucleotide position 32338. The arginine at codon 10780 is replaced by cysteine, an amino acid with highly dissimilar properties. This amino acid position is not well conserved in available vertebrate species. In addition, this alteration is predicted to be tolerated by in silico analysis. Since supporting evidence is limited at this time, the clinical significance of this alteration remains unclear.

NM_001267550.2(TTN):c.59533C>T (p.Arg19845Cys)

Genes: TTN (titin; minus strand), TTN-AS1 (TTN antisense RNA 1; plus strand), LOC126806424 (CDK7 strongly-dependent group 2 enhancer GRCh37_chr2:179456337-179457536; plus strand). Cytogenetic location: 2q31.2.
Variant type: single nucleotide variant.
Coding change: c.59533C>T on transcript NM_001267550.2 (MANE Select); coding-DNA position 59533, C replaced by T.
Protein change: p.Arg19845Cys; replaces arginine 19845 with cysteine.
Molecular consequence: missense variant.
Genome position (GRCh38, 1-based): chr2:178,592,472, G>A on the plus strand (C>T on the coding strand, the complement: TTN is on the minus strand). VCF-style: chr2-178592472-G-A. GRCh37 (hg19) VCF-style: chr2-179457199-G-A.
Other names: c.54610C>T, p.Arg18204Cys (NM_001256850.1); c.32338C>T, p.Arg10780Cys (NM_003319.4); c.51829C>T, p.Arg17277Cys (NM_133378.4); c.32713C>T, p.Arg10905Cys (NM_133432.3); c.32914C>T, p.Arg10972Cys (NM_133437.4); short protein forms R10780C, R10905C, R10972C, R17277C, R18204C, R19845C.
Identifiers: ClinVar variation 1329168 (VCV001329168.4), dbSNP rs1232069163, ClinGen allele CA349492931.